The following is an entry in ClinVar:

ClinVar aggregate classification (germline): Likely benign. Review status: criteria provided, multiple submitters, no conflicts (2 of 4 stars). 3 submissions from 3 submitters: Likely benign (3). Last evaluated 2026-01-01.

Conditions:
Cowden syndrome 7 (CWS7). Identifiers: Orphanet 201, MedGen C4225179, MONDO:0014802, OMIM 616858.
Congenital dyserythropoietic anemia, type II (CDAN2). Also called: DYSERYTHROPOIETIC ANEMIA, HEMPAS TYPE. Identifiers: Orphanet 98873, MedGen C1306589, MONDO:0009134, OMIM 224100.

gnomAD v4.1: 21 of 1,613,986 alleles (0.0013%); highest among the groups gnomAD compares: Non-Finnish European, 0.0017%; no homozygotes.

Submissions (3):

CeGaT Center for Human Genetics Tuebingen
Classification: Likely benign. Last evaluated: 2026-01-01. Review status: criteria provided, single submitter. Criteria: CeGaT Center For Human Genetics Tuebingen Variant Classification Criteria Version 2. Collection method: clinical testing. Allele origin: germline. Affected: yes. Observed: 1 variant allele.
Comment: SEC23B: BP4, BP7

Blueprint Genetics
Classification: Likely benign. Last evaluated: 2024-09-11. Review status: criteria provided, single submitter. Criteria: ACMG Guidelines, 2015. Collection method: clinical testing. Allele origin: germline.

Labcorp Genetics (formerly Invitae), Labcorp
Classification: Likely benign for Congenital dyserythropoietic anemia, type II; Cowden syndrome 7. Last evaluated: 2024-03-25. Review status: criteria provided, single submitter. Criteria: Invitae Variant Classification Sherloc (09022015). Collection method: clinical testing. Allele origin: germline.

NM_006363.6(SEC23B):c.1767T>G (p.Ser589=)

Gene: SEC23B (SEC23 homolog B, COPII component; plus strand). Cytogenetic location: 20p11.23.
Variant type: single nucleotide variant.
Coding change: c.1767T>G on transcript NM_006363.6 (MANE Select); coding-DNA position 1767, T replaced by G.
Protein change: p.Ser589=; no amino-acid change (serine 589 retained).
Molecular consequence: synonymous variant.
Genome position (GRCh38, 1-based): chr20:18,548,632, T>G. VCF-style: chr20-18548632-T-G. GRCh37 (hg19) VCF-style: chr20-18529276-T-G.
Other names: c.1767T>G, p.Ser589= (NM_001172745.3, NM_032985.6, NM_032986.5); c.1713T>G, p.Ser571= (NM_001172746.3).
Identifiers: ClinVar variation 3761177 (VCV003761177.7).